The following is an entry in ClinVar:

ClinVar aggregate classification (germline): Benign/Likely benign. Review status: criteria provided, multiple submitters, no conflicts (2 of 4 stars). 8 submissions from 8 submitters: Benign (4); Likely benign (4). Last evaluated 2026-04-01.

Conditions:
Kabuki syndrome. Also called: Kabuki make-up syndrome; NIIKAWA-KUROKI SYNDROME. Identifiers: Orphanet 2322, MedGen C0796004, MONDO:0016512.

Allele frequency attached by ClinVar (database versions not stated): gnomAD 0.00043 and 0.00057; 1000 Genomes Project 30x 0.00047; ESP Exome Variant Server 0.00056; 1000 Genomes Project 0.00060; ExAC 0.00082; gnomAD exomes 0.00083.
gnomAD v4.1: 954 of 1,572,820 alleles (0.061%); highest among the groups gnomAD compares: Middle Eastern, 0.43%; 4 homozygotes.

Submissions (10):

CeGaT Center for Human Genetics Tuebingen
Classification: Likely benign. Last evaluated: 2026-04-01. Review status: criteria provided, single submitter. Criteria: CeGaT Center For Human Genetics Tuebingen Variant Classification Criteria Version 2. Collection method: clinical testing. Allele origin: germline. Affected: yes. Observed: 7 variant alleles.
Comment: KMT2D: BP4, BP7, BS1

Labcorp Genetics (formerly Invitae), Labcorp
Classification: Benign for Kabuki syndrome. Last evaluated: 2026-02-03. Review status: criteria provided, single submitter. Criteria: Invitae Variant Classification Sherloc (09022015). Collection method: clinical testing. Allele origin: germline.

Mayo Clinic Laboratories, Mayo Clinic
Classification: Likely benign. Last evaluated: 2025-12-10. Review status: criteria provided, single submitter. Criteria: ACMG Guidelines, 2015. Collection method: clinical testing. Allele origin: germline. Observed: 1 variant allele.
Comment: BP4, BP7, PM2_supporting

Laboratory of Genetics, Children's Clinical University Hospital Latvia
Classification: Likely benign. Last evaluated: 2025-02-16. Review status: criteria provided, single submitter. Criteria: ACMG Guidelines, 2015. Collection method: clinical testing. Allele origin: germline. Affected: yes.

Blueprint Genetics
Classification: Likely benign. Last evaluated: 2024-11-26. Review status: criteria provided, single submitter. Criteria: ACMG Guidelines, 2015. Collection method: clinical testing. Allele origin: germline.

GeneDx
Classification: Benign. Last evaluated: 2019-12-26. Review status: criteria provided, single submitter. Criteria: GeneDx Variant Classification Process June 2021. Collection method: clinical testing. Allele origin: germline. Affected: yes.

Genetic Services Laboratory, University of Chicago
Classification: Benign. Last evaluated: 2018-04-10. Review status: criteria provided, single submitter. Criteria: ACMG Guidelines, 2015. Collection method: clinical testing. Allele origin: germline. Affected: no.

Breakthrough Genomics
Classification: Benign. Review status: criteria provided, single submitter. Criteria: ACMG Guidelines, 2015. Collection method: not provided. Allele origin: germline. Inheritance: Autosomal dominant inheritance. Affected: yes.

Dr. Peter K. Rogan Lab, Western University
No classification provided (evidence only). Condition: Familial cancer of breast. Review status: no classification provided. Collection method: in vitro. Allele origin: not applicable. Functional consequence: retained intron. Not counted in ClinVar's aggregate classification.

Dr. Peter K. Rogan Lab, Western University
No classification provided (evidence only). Condition: Colorectal cancer. Review status: no classification provided. Collection method: in vitro. Allele origin: not applicable. Functional consequence: retained intron. Not counted in ClinVar's aggregate classification.

NM_003482.4(KMT2D):c.2052T>A (p.Pro684=)

Gene: KMT2D (lysine methyltransferase 2D; minus strand). Cytogenetic location: 12q13.12.
Variant type: single nucleotide variant.
Coding change: c.2052T>A on transcript NM_003482.4 (MANE Select); coding-DNA position 2052, T replaced by A.
Protein change: p.Pro684=; no amino-acid change (proline 684 retained).
Molecular consequence: synonymous variant.
Genome position (GRCh38, 1-based): chr12:49,051,631, A>T on the plus strand (T>A on the coding strand, the complement: KMT2D is on the minus strand). VCF-style: chr12-49051631-A-T. GRCh37 (hg19) VCF-style: chr12-49445414-A-T.
Other names: p.Pro684=.
Identifiers: ClinVar variation 158748 (VCV000158748.47), dbSNP rs200116899, ClinGen allele CA172413.